The following is an entry in ClinVar:

NM_001322934.2(NFKB2):c.1360G>C (p.Ala454Pro)

Gene: NFKB2 (nuclear factor kappa B subunit 2; plus strand). Cytogenetic location: 10q24.32.
Variant type: single nucleotide variant.
Coding change: c.1360G>C on transcript NM_001322934.2 (MANE Select); coding-DNA position 1360, G replaced by C.
Protein change: p.Ala454Pro; replaces alanine 454 with proline.
Molecular consequence: missense variant.
Genome position (GRCh38, 1-based): chr10:102,399,609, G>C. VCF-style: chr10-102399609-G-C. GRCh37 (hg19) VCF-style: chr10-104159366-G-C.
Other names: c.1360G>C, p.Ala454Pro (NM_001077494.3, NM_001261403.3, NM_001288724.1 and 1 more transcripts); c.1234G>C, p.Ala412Pro (NM_001322935.1); short protein forms A412P, A454P.
Identifiers: ClinVar variation 4760398 (VCV004760398.1).

ClinVar aggregate classification (germline): Uncertain significance (1 of 4 stars; one submission).

Conditions:
Immunodeficiency, common variable, 10. Also called: IMMUNODEFICIENCY, COMMON VARIABLE, WITH CENTRAL ADRENAL INSUFFICIENCY; DEFICIT IN ANTERIOR PITUITARY FUNCTION AND VARIABLE IMMUNODEFICIENCY. Identifiers: MedGen C3809991, MONDO:0014260, OMIM 615577.

Submission:

Labcorp Genetics (formerly Invitae), Labcorp
Classification: Uncertain significance for Immunodeficiency, common variable, 10. Last evaluated: 2025-12-09. Review status: criteria provided, single submitter. Criteria: Invitae Variant Classification Sherloc (09022015). Collection method: clinical testing. Allele origin: germline.
Comment: This sequence change replaces alanine, which is neutral and non-polar, with proline, which is neutral and non-polar, at codon 454 of the NFKB2 protein (p.Ala454Pro). This variant is not present in population databases (gnomAD no frequency). This variant has not been reported in the literature in individuals affected with NFKB2-related conditions. An algorithm developed to predict the effect of missense changes on protein structure and function (PolyPhen-2) suggests that this variant is likely to be disruptive. In summary, the available evidence is currently insufficient to determine the role of this variant in disease. Therefore, it has been classified as a Variant of Uncertain Significance.